The following is an entry in ClinVar:

ClinVar aggregate classification (germline): Conflicting classifications of pathogenicity. Review status: criteria provided, conflicting classifications (1 of 4 stars). 2 submissions from 2 submitters: Uncertain significance (1); Likely benign (1). Last evaluated 2025-04-28.

Conditions:
Inborn genetic diseases. Identifiers: MedGen C0950123, MeSH D030342.
Congenital secretory sodium diarrhea 8. Identifiers: Orphanet 103908, MedGen C5441928, MONDO:0014808, OMIM 616868.

Allele frequency attached by ClinVar (database versions not stated): gnomAD 0.00005; gnomAD exomes 0.00002; ExAC 0.00002; TOPMed 0.00006.

Submissions (2):

Ambry Genetics
Classification: Likely benign for Inborn genetic diseases. Last evaluated: 2025-04-28. Review status: criteria provided, single submitter. Criteria: Ambry Variant Classification Scheme 2023. Collection method: clinical testing. Allele origin: germline.

Labcorp Genetics (formerly Invitae), Labcorp
Classification: Uncertain significance. Last evaluated: 2022-07-27. Review status: criteria provided, single submitter. Criteria: Invitae Variant Classification Sherloc (09022015). Collection method: clinical testing. Allele origin: germline.
Comment: This sequence change replaces methionine, which is neutral and non-polar, with isoleucine, which is neutral and non-polar, at codon 188 of the SLC9A3 protein (p.Met188Ile). This variant is present in population databases (rs777129181, gnomAD 0.01%). This variant has not been reported in the literature in individuals affected with SLC9A3-related conditions. ClinVar contains an entry for this variant (Variation ID: 1477819). Algorithms developed to predict the effect of missense changes on protein structure and function output the following: SIFT: "Not Available"; PolyPhen-2: "Benign"; Align-GVGD: "Not Available". The isoleucine amino acid residue is found in multiple mammalian species, which suggests that this missense change does not adversely affect protein function. In summary, the available evidence is currently insufficient to determine the role of this variant in disease. Therefore, it has been classified as a Variant of Uncertain Significance.

NM_004174.4(SLC9A3):c.564G>A (p.Met188Ile)

Gene: SLC9A3 (solute carrier family 9 member A3). Cytogenetic location: 5p15.33.
Variant type: single nucleotide variant.
Coding change: c.564G>A on transcript NM_004174.4 (MANE Select); coding-DNA position 564, G replaced by A.
Protein change: p.Met188Ile; replaces methionine 188 with isoleucine.
Molecular consequence: missense variant.
Genome position (GRCh38, 1-based): chr5:488,427, C>T on the plus strand (G>A on the coding strand, the complement: SLC9A3 is on the minus strand). VCF-style: chr5-488427-C-T. GRCh37 (hg19) VCF-style: chr5-488542-C-T.
Other names: c.564G>A, p.Met188Ile (NM_001284351.3); c.564G>A (NM_004174.2, NM_004174.3); short protein forms M188I.
Identifiers: ClinVar variation 1477819 (VCV001477819.5), dbSNP rs777129181, ClinGen allele CA3176289.